The following is an entry in ClinVar:

NM_001303256.3(MORC2):c.988-5T>G

Gene: MORC2 (MORC family CW-type zinc finger 2; minus strand). Cytogenetic location: 22q12.2.
Variant type: single nucleotide variant.
Coding change: c.988-5T>G on transcript NM_001303256.3 (MANE Select); 5 bases into the intron before coding-DNA position 988, T replaced by G.
Molecular consequence: intron variant.
Genome position (GRCh38, 1-based): chr22:30,939,711, A>C on the plus strand (T>G on the coding strand, the complement: MORC2 is on the minus strand). VCF-style: chr22-30939711-A-C. GRCh37 (hg19) VCF-style: chr22-31335698-A-C.
Other names: c.988-5T>G (NM_001303257.2); c.802-5T>G (NM_014941.3).
Identifiers: ClinVar variation 1942978 (VCV001942978.5), dbSNP rs1382735880, ClinGen allele CA639030766.

ClinVar aggregate classification (germline): Uncertain significance (1 of 4 stars; one submission).

Conditions:
Charcot-Marie-Tooth disease axonal type 2Z. Also called: CHARCOT-MARIE-TOOTH DISEASE, AXONAL, AUTOSOMAL DOMINANT, TYPE 2Z; CHARCOT-MARIE-TOOTH NEUROPATHY, TYPE 2Z. Identifiers: Orphanet 466768, MedGen C5569025, MONDO:0014736, OMIM 616688.

Allele frequency attached by ClinVar (database versions not stated): TOPMed below 0.00001; gnomAD 0.00001.
gnomAD v4.1: 1 of 1,613,338 alleles (0.000062%); highest among the groups gnomAD compares: African/African-American, 0.0013%; no homozygotes.

Submission:

Labcorp Genetics (formerly Invitae), Labcorp
Classification: Uncertain significance for Charcot-Marie-Tooth disease axonal type 2Z. Last evaluated: 2022-08-19. Review status: criteria provided, single submitter. Criteria: Invitae Variant Classification Sherloc (09022015). Collection method: clinical testing. Allele origin: germline.
Comment: Algorithms developed to predict the effect of sequence changes on RNA splicing suggest that this variant may create or strengthen a splice site. This sequence change falls in intron 11 of the MORC2 gene. It does not directly change the encoded amino acid sequence of the MORC2 protein. This variant is present in population databases (no rsID available, gnomAD 0.01%). This variant has not been reported in the literature in individuals affected with MORC2-related conditions. In summary, the available evidence is currently insufficient to determine the role of this variant in disease. Therefore, it has been classified as a Variant of Uncertain Significance.